The following is an entry in ClinVar:

ClinVar aggregate classification (germline): Benign/Likely benign. Review status: criteria provided, multiple submitters, no conflicts (2 of 4 stars). 14 submissions from 14 submitters: Benign (8); Likely benign (4). 2 of the submissions do not count toward it. Last evaluated 2026-09-01.

Conditions:
Inborn genetic diseases. Identifiers: MedGen C0950123, MeSH D030342.
Wilson disease (WND). Also called: Wilson's disease. Identifiers: Orphanet 905, MedGen C0019202, MONDO:0010200, OMIM 277900. Disease mechanism: loss of function.

Allele frequency attached by ClinVar (database versions not stated): gnomAD 0.00430 and 0.00398; TOPMed 0.00445; gnomAD exomes 0.00033 and 0.00096; ExAC 0.00203; 1000 Genomes Project 30x 0.00344; 1000 Genomes Project 0.00319; ESP Exome Variant Server 0.00365.
gnomAD v4.1: 1,114 of 1,606,420 alleles (0.069%); highest among the groups gnomAD compares: African/African-American, 1.3%; 6 homozygotes.

Submissions (14):

CeGaT Center for Human Genetics Tuebingen
Classification: Likely benign. Last evaluated: 2026-09-01. Review status: criteria provided, single submitter. Criteria: CeGaT Center For Human Genetics Tuebingen Variant Classification Criteria Version 2. Collection method: clinical testing. Allele origin: germline. Affected: yes. Observed: 7 variant alleles.
Comment: ATP7B: BP4, BP7, BS1

Labcorp Genetics (formerly Invitae), Labcorp
Classification: Benign for Wilson disease. Last evaluated: 2026-02-04. Review status: criteria provided, single submitter. Criteria: Invitae Variant Classification Sherloc (09022015). Collection method: clinical testing. Allele origin: germline.

Mayo Clinic Laboratories, Mayo Clinic
Classification: Likely benign. Last evaluated: 2025-08-22. Review status: criteria provided, single submitter. Criteria: ACMG Guidelines, 2015. Collection method: clinical testing. Allele origin: germline. Observed: 6 variant alleles.
Comment: BS1, BP4, BP7

Blueprint Genetics
Classification: Likely benign. Last evaluated: 2024-10-16. Review status: criteria provided, single submitter. Criteria: ACMG Guidelines, 2015. Collection method: clinical testing. Allele origin: germline.

All of Us Research Program, National Institutes of Health
Classification: Benign for Wilson disease. Last evaluated: 2024-02-05. Review status: criteria provided, single submitter. Criteria: ACMG Guidelines, 2015. Collection method: clinical testing. Allele origin: germline. Inheritance: Autosomal recessive inheritance. Observed: 244 variant alleles, 241 heterozygotes, 3 homozygotes.
Comment: This study involves interpretation of variants in research participants for the purpose of population health screening. Participant phenotype was not available at the time of variant classification. Additional details can be found in publication PMID: 35346344, PMCID: PMC8962531

Color Diagnostics, LLC DBA Color Health
Classification: Benign for Wilson disease. Last evaluated: 2022-08-05. Review status: criteria provided, single submitter. Criteria: ACMG Guidelines, 2015. Collection method: clinical testing. Allele origin: germline.

Ambry Genetics
Classification: Likely benign for Inborn genetic diseases. Last evaluated: 2022-06-22. Review status: criteria provided, single submitter. Criteria: Ambry Variant Classification Scheme 2023. Collection method: clinical testing. Allele origin: germline.

GeneDx
Classification: Benign. Last evaluated: 2018-08-29. Review status: criteria provided, single submitter. Criteria: GeneDx Variant Classification Process June 2021. Collection method: clinical testing. Allele origin: germline. Affected: yes.

Women's Health and Genetics/Laboratory Corporation of America, LabCorp
Classification: Benign. Last evaluated: 2017-07-06. Review status: criteria provided, single submitter. Criteria: LabCorp Variant Classification Summary - May 2015. Collection method: clinical testing. Allele origin: germline.
Comment: Variant summary: The c.3015C>T (p.Asn1005=) in ATP7B gene is a synonymous change that involves a non-conserved nucleotide. 5/5 programs in Alamut predict that this variant does not affect normal splicing, however no functional studies supporting this notion were published at the time of evaluation. The variant is present in the control population dataset of ExAC at frequency of 0.0020 (123/60690 chrs tested), predominantly in individuals of African origin (0.02; 110/5328 chrs, including 2 homozygous occurrences). The observed frequency exceeds the maximum expected allele frequency for a pathogenic variant in this gene (0.0054), suggesting that it is a benign polymorphism. The variant was identified in at least 1 HBOC pt without strong evidence for causality. The variant of interest has not, to our knowledge, been identified in affected individuals via published reports, but is cited as Benign/Likely Benign by reputable database/clinical laboratories. Taken together, based on the prevalence in general population the variant was classified as Benign.

ARUP Laboratories, Molecular Genetics and Genomics, ARUP Laboratories
Classification: Benign. Last evaluated: 2016-12-02. Review status: criteria provided, single submitter. Criteria: ARUP Molecular Germline Variant Investigation Process. Collection method: clinical testing. Allele origin: germline.

Breakthrough Genomics
Classification: Benign. Review status: criteria provided, single submitter. Criteria: ACMG Guidelines, 2015. Collection method: not provided. Allele origin: germline. Inheritance: Autosomal recessive inheritance. Affected: yes.

PreventionGenetics, part of Exact Sciences
Classification: Benign. Review status: criteria provided, single submitter. Criteria: ACMG Guidelines, 2015. Collection method: clinical testing. Allele origin: germline.

Clinical Genetics, Academic Medical Center
Classification: Benign. Review status: no assertion criteria provided. Collection method: clinical testing. Allele origin: germline. Affected: yes. Study: VKGL Data-share Consensus. Not counted in ClinVar's aggregate classification.

Diagnostic Laboratory, Department of Genetics, University Medical Center Groningen
Classification: Benign. Review status: no assertion criteria provided. Collection method: clinical testing. Allele origin: germline. Affected: yes. Study: VKGL Data-share Consensus. Not counted in ClinVar's aggregate classification.

NM_000053.4(ATP7B):c.3015C>T (p.Asn1005=)

Gene: ATP7B (ATPase copper transporting beta; minus strand). Cytogenetic location: 13q14.3.
Variant type: single nucleotide variant.
Coding change: c.3015C>T on transcript NM_000053.4 (MANE Select); coding-DNA position 3015, C replaced by T.
Protein change: p.Asn1005=; no amino-acid change (asparagine 1005 retained).
Molecular consequence: synonymous variant.
Genome position (GRCh38, 1-based): chr13:51,946,329, G>A on the plus strand (C>T on the coding strand, the complement: ATP7B is on the minus strand). VCF-style: chr13-51946329-G-A. GRCh37 (hg19) VCF-style: chr13-52520465-G-A.
Other names: p.Asn1005=; c.2394C>T, p.Asn798= (NM_001005918.3); c.2682C>T, p.Asn894= (NM_001243182.2); c.2781C>T, p.Asn927= (NM_001330578.2); c.2763C>T, p.Asn921= (NM_001330579.2).
Identifiers: ClinVar variation 35715 (VCV000035715.54), dbSNP rs74085888, ClinGen allele CA260134.